The following is an entry in ClinVar:

NM_001127671.2(LIFR):c.1578ACA[1] (p.Gln527del)

Gene: LIFR (LIF receptor subunit alpha; minus strand). Cytogenetic location: 5p13.1.
Variant type: Microsatellite.
Coding change: c.1578ACA[1] on transcript NM_001127671.2 (MANE Select); one copy of the 3-base unit ACA starting at c.1578; the reference has two copies in a row; one copy, 3 bases deleted.
Protein change: p.Gln527del; deletes glutamine 527.
Molecular consequence: inframe deletion.
Genome position (GRCh38, 1-based): chr5:38,502,654-38,502,656, TGT deleted on the plus strand (ACA on the coding strand, the reverse complement: LIFR is on the minus strand); deleting any 3 consecutive bases within chr5:38,502,654-38,502,660 gives the same sequence; the position shown is the placement nearest the transcript's 3' end. VCF-style (leftmost placement, unchanged base first): chr5-38502653-ATGT-A. GRCh37 (hg19) VCF-style: chr5-38502755-ATGT-A.
Other names: c.1578ACA[1], p.Gln527del (NM_001364297.2, NM_001364298.2, NM_002310.6); short protein forms Q527del.
Identifiers: ClinVar variation 1409428 (VCV001409428.3), dbSNP rs1373344377, ClinGen allele CA559296136.

ClinVar aggregate classification (germline): Uncertain significance (1 of 4 stars; one submission).

Submission:

Labcorp Genetics (formerly Invitae), Labcorp
Classification: Uncertain significance. Last evaluated: 2022-02-09. Review status: criteria provided, single submitter. Criteria: Invitae Variant Classification Sherloc (09022015). Collection method: clinical testing. Allele origin: germline.
Comment: This variant, c.1581_1583del, results in the deletion of 1 amino acid(s) of the LIFR protein (p.Gln527del), but otherwise preserves the integrity of the reading frame. This variant is present in population databases (no rsID available, gnomAD 0.007%). This variant has not been reported in the literature in individuals affected with LIFR-related conditions. Experimental studies and prediction algorithms are not available or were not evaluated, and the functional significance of this variant is currently unknown. In summary, the available evidence is currently insufficient to determine the role of this variant in disease. Therefore, it has been classified as a Variant of Uncertain Significance.